The following is an entry in ClinVar:

NM_001252102.2(KIF21B):c.4043C>T (p.Pro1348Leu)

Gene: KIF21B (kinesin family member 21B; minus strand). Cytogenetic location: 1q32.1.
Variant type: single nucleotide variant.
Coding change: c.4043C>T on transcript NM_001252102.2 (MANE Select); coding-DNA position 4043, C replaced by T.
Protein change: p.Pro1348Leu; replaces proline 1348 with leucine.
Molecular consequence: missense variant.
Genome position (GRCh38, 1-based): chr1:200,979,652, G>A on the plus strand (C>T on the coding strand, the complement: KIF21B is on the minus strand). VCF-style: chr1-200979652-G-A. GRCh37 (hg19) VCF-style: chr1-200948780-G-A.
Other names: c.4043C>T, p.Pro1348Leu (NM_001252100.2); c.4004C>T, p.Pro1335Leu (NM_001252103.2, NM_017596.4); short protein forms P1335L, P1348L.
Identifiers: ClinVar variation 3035462 (VCV003035462.2), dbSNP rs74962326, ClinGen allele CA1320481.

ClinVar aggregate classification (germline): Likely benign (0 of 4 stars; one submission).

Conditions:
KIF21B-related disorder. Also called: KIF21B-related condition; KIF21B-related disorders.

Allele frequency attached by ClinVar (database versions not stated): gnomAD exomes 0.00009; ExAC 0.00027; 1000 Genomes Project 30x 0.00047; 1000 Genomes Project 0.00060; gnomAD 0.00094; TOPMed 0.00103; ESP Exome Variant Server 0.00123.
gnomAD v4.1: 269 of 1,586,220 alleles (0.017%); highest among the groups gnomAD compares: African/African-American, 0.33%; no homozygotes.

Submission:

PreventionGenetics, part of Exact Sciences
Classification: Likely benign for KIF21B-related condition. Last evaluated: 2022-04-18. Review status: no assertion criteria provided. Collection method: clinical testing. Allele origin: germline.
Comment: This variant is classified as likely benign based on ACMG/AMP sequence variant interpretation guidelines (Richards et al. 2015 PMID: 25741868, with internal and published modifications).